The following is an entry in ClinVar:

NC_000023.11:g.(?_31968339)_(31968514_?)del

Gene: DMD (dystrophin; minus strand). Cytogenetic location: Xp21.1.
Variant type: Deletion.
Identifiers: ClinVar variation 417488 (VCV000417488.1).

ClinVar aggregate classification (germline): Pathogenic (1 of 4 stars; one submission).

Conditions:
Duchenne muscular dystrophy (DMD). Also called: MUSCULAR DYSTROPHY, PSEUDOHYPERTROPHIC PROGRESSIVE, DUCHENNE TYPE; Duchenne Muscular Dystrophy (DMD). Identifiers: Orphanet 98896, MedGen C0013264, MONDO:0010679, OMIM 310200.

Submission:

Labcorp Genetics (formerly Invitae), Labcorp
Classification: Pathogenic for Duchenne muscular dystrophy. Last evaluated: 2016-10-12. Review status: criteria provided, single submitter. Criteria: Invitae Variant Classification Sherloc (09022015). Collection method: clinical testing. Allele origin: germline.
Comment: This variant is a gross deletion of the genomic region encompassing exon 45 of the DMD gene. This sequence change is predicted to create a premature translational stop signal and result in an absent or disrupted protein product. However, experimental studies have shown that it may also lead to a change in mRNA splicing that causes skipping of exon 44, which results in an in-frame deletion and preserves the reading frame (PMID: 9040743, 24871807). This variant has been reported in multiple individuals with both Duchenne muscular dystrophy and Becker muscular dystrophy (PMID: 11257468, 18683213, 25244321, 26081009). For these reasons, this variant has been classified as Pathogenic.